The following is an entry in ClinVar:

ClinVar aggregate classification (germline): Pathogenic/Likely pathogenic. Review status: criteria provided, multiple submitters, no conflicts (2 of 4 stars). 2 submissions from 2 submitters: Pathogenic (1); Likely pathogenic (1). Last evaluated 2026-07-06.

Conditions:
Immunodeficiency, common variable, 10. Also called: IMMUNODEFICIENCY, COMMON VARIABLE, WITH CENTRAL ADRENAL INSUFFICIENCY; DEFICIT IN ANTERIOR PITUITARY FUNCTION AND VARIABLE IMMUNODEFICIENCY. Identifiers: MedGen C3809991, MONDO:0014260, OMIM 615577.
Inborn genetic diseases. Identifiers: MedGen C0950123, MeSH D030342.

Submissions (2):

Ambry Genetics
Classification: Likely pathogenic for Inborn genetic diseases. Last evaluated: 2026-07-06. Review status: criteria provided, single submitter. Criteria: Ambry Variant Classification Scheme 2023. Collection method: clinical testing. Allele origin: germline.
Comment: The c.2596_2597delAG (p.S866Cfs*19) alteration, located in exon 23 (coding exon 22) of the NFKB2 gene, consists of a deletion of 2 nucleotides from position 2596 to 2597, causing a translational frameshift with a predicted alternate stop codon after 19 amino acids. This variant is not expected to trigger nonsense-mediated mRNA decay, and impacts the last 3.8% of the protein. Truncating and/or frameshift NFKB2 variants disrupting the C-terminus region have been extensively reported as disease-causing. Based on data from gnomAD, this allele has an overall frequency of 0.001% (1/159474) total alleles studied. The highest observed frequency was <0.001% Ashkenazi Jewish of alleles. This variant was reported in individual(s) with features consistent with NFKB2-related common variable immunodeficiency; in at least one individual, it was determined to be de novo (Klemann, 2019; Platt, 2021; Rojas-Restrepo, 2021; external communication). Based on the available evidence, this alteration is classified as likely pathogenic.

Labcorp Genetics (formerly Invitae), Labcorp
Classification: Pathogenic for Immunodeficiency, common variable, 10. Last evaluated: 2025-09-15. Review status: criteria provided, single submitter. Criteria: Invitae Variant Classification Sherloc (09022015). Collection method: clinical testing. Allele origin: germline.
Comment: This sequence change creates a premature translational stop signal (p.Ser866Cysfs*19) in the NFKB2 gene. While this is not anticipated to result in nonsense mediated decay, it is expected to disrupt the last 35 amino acid(s) of the NFKB2 protein. This variant is present in population databases (no rsID available, gnomAD 0.01%). This premature translational stop signal has been observed in individual(s) with clinical features of common variable immune deficiency and/or immunodeficiency, common variable & adrenocorticotropic hormone deficiency (PMID: 30697212, 30941118, 32888943, 34975878; internal data). In at least one individual the variant was observed to be de novo. ClinVar contains an entry for this variant (Variation ID: 2915458). Experimental studies and prediction algorithms are not available or were not evaluated, and the functional significance of this variant is currently unknown. For these reasons, this variant has been classified as Pathogenic.

Literature cited by the submitters: PubMed 30941118 (cited by Ambry Genetics and Labcorp Genetics (formerly Invitae), Labcorp); PubMed 32888943 (cited by Ambry Genetics and Labcorp Genetics (formerly Invitae), Labcorp); PubMed 34975878 (cited by Ambry Genetics and Labcorp Genetics (formerly Invitae), Labcorp); PubMed 30697212 (cited by Labcorp Genetics (formerly Invitae), Labcorp).

NM_001322934.2(NFKB2):c.2596_2597del (p.Ser866fs)

Gene: NFKB2 (nuclear factor kappa B subunit 2; plus strand). Cytogenetic location: 10q24.32.
Variant type: Deletion.
Coding change: c.2596_2597del on transcript NM_001322934.2 (MANE Select); coding-DNA positions 2596 to 2597, 2 bases deleted (AG; older notation c.2596_2597delAG).
Protein change: p.Ser866fs; shifts the reading frame from serine 866.
Molecular consequence: frameshift variant.
Genome position (GRCh38, 1-based): chr10:102,402,269-102,402,270, AG deleted. VCF-style (leftmost placement, unchanged base first): chr10-102402268-CAG-C. GRCh37 (hg19) VCF-style: chr10-104162025-CAG-C.
Other names: c.2596_2597delAG (NM_001077494.1); c.2593_2594delAG, p.Ser865Cysfs (NM_001077493.1); c.2596_2597del, p.Ser866fs (NM_001077494.3); c.2593_2594del, p.Ser865fs (NM_001261403.3, NM_001288724.1, NM_002502.6); c.2470_2471del, p.Ser824fs (NM_001322935.1); short protein forms S866fs, S865fs, S824fs.
Identifiers: ClinVar variation 2915458 (VCV002915458.4), dbSNP rs1565214993, ClinGen allele CA595635773.